The following is an entry in ClinVar:

NM_032590.5(KDM2B):c.3411dup (p.Lys1138fs)

Gene: KDM2B (lysine demethylase 2B; minus strand). Cytogenetic location: 12q24.31.
Variant type: Duplication.
Coding change: c.3411dup on transcript NM_032590.5 (MANE Select); coding-DNA position 3411, one base duplicated (C; older notation c.3411dupC).
Protein change: p.Lys1138fs; shifts the reading frame from lysine 1138.
Molecular consequence: frameshift variant.
Genome position (GRCh38, 1-based): chr12:121,441,107, G duplicated on the plus strand (C on the coding strand, the reverse complement: KDM2B is on the minus strand); the first of 2 consecutive G bases (chr12:121,441,107-121,441,108); duplicating either gives the same sequence. VCF-style (leftmost placement, unchanged base first): chr12-121441106-T-TG. GRCh37 (hg19) VCF-style: chr12-121878909-T-TG.
Other names: c.3204dup, p.Lys1069fs (NM_001005366.2); c.3507dup, p.Lys1170fs (NM_001439014.1, NM_001439015.1); c.3489dup, p.Lys1164fs (NM_001439016.1); c.3411dup, p.Lys1138fs (NM_001439017.1, NM_001439018.1); c.3396dup, p.Lys1133fs (NM_001439020.1); c.3378dup, p.Lys1127fs (NM_001439021.1); c.3348dup, p.Lys1117fs (NM_001439022.1, NM_001439023.1); c.3318dup, p.Lys1107fs (NM_001439025.1, NM_001439026.1); and 3 more; short protein forms K1117fs, K1138fs, K1069fs, K1079fs, K1101fs, K1127fs, K1170fs, K578fs.
Identifiers: ClinVar variation 4726650 (VCV004726650.1).

ClinVar aggregate classification (germline): Uncertain significance (1 of 4 stars; one submission).

Submission:

Labcorp Genetics (formerly Invitae), Labcorp
Classification: Uncertain significance. Last evaluated: 2025-09-11. Review status: criteria provided, single submitter. Criteria: Invitae Variant Classification Sherloc (09022015). Collection method: clinical testing. Allele origin: germline.
Comment: This sequence change creates a premature translational stop signal (p.Lys1138Glnfs*112) in the KDM2B gene. It is expected to result in an absent or disrupted protein product. However, the current clinical and genetic evidence is not sufficient to establish whether loss-of-function variants in KDM2B cause disease. This variant is not present in population databases (gnomAD no frequency). This variant has not been reported in the literature in individuals affected with KDM2B-related conditions. In summary, the available evidence is currently insufficient to determine the role of this variant in disease. Therefore, it has been classified as a Variant of Uncertain Significance.